The following is an entry in ClinVar:

ClinVar aggregate classification (germline): Uncertain significance (1 of 4 stars; one submission).

Submission:

Labcorp Genetics (formerly Invitae), Labcorp
Classification: Uncertain significance. Last evaluated: 2022-05-06. Review status: criteria provided, single submitter. Criteria: Invitae Variant Classification Sherloc (09022015). Collection method: clinical testing. Allele origin: germline.
Comment: In summary, the available evidence is currently insufficient to determine the role of this variant in disease. Therefore, it has been classified as a Variant of Uncertain Significance. Algorithms developed to predict the effect of sequence changes on RNA splicing suggest that this variant may disrupt the consensus splice site. Algorithms developed to predict the effect of missense changes on protein structure and function are either unavailable or do not agree on the potential impact of this missense change (SIFT: "Deleterious"; PolyPhen-2: "Benign"; Align-GVGD: "Class C0"). This variant has not been reported in the literature in individuals affected with C7-related conditions. This variant is not present in population databases (gnomAD no frequency). This sequence change replaces asparagine, which is neutral and polar, with lysine, which is basic and polar, at codon 197 of the C7 protein (p.Asn197Lys).

NM_000587.4(C7):c.591T>A (p.Asn197Lys)

Gene: C7 (complement C7; plus strand). Cytogenetic location: 5p13.1.
Variant type: single nucleotide variant.
Coding change: c.591T>A on transcript NM_000587.4 (MANE Select); coding-DNA position 591, T replaced by A.
Protein change: p.Asn197Lys; replaces asparagine 197 with lysine.
Molecular consequence: missense variant.
Genome position (GRCh38, 1-based): chr5:40,945,221, T>A. VCF-style: chr5-40945221-T-A. GRCh37 (hg19) VCF-style: chr5-40945323-T-A.
Other names: short protein forms N197K.
Identifiers: ClinVar variation 2134655 (VCV002134655.4), dbSNP rs2478187390, ClinGen allele CA359581608.
Genomic context (GRCh38, chr5:40,945,221, plus strand): 5'-AATTTAGTCATAGCAAAATTTTTCATTTTCTTTGTAGGTGAAAATAAATAATGATTTTAA[T>A]TATGAATTTTACAATAGTACTTGGTCTTATGTAAAACATACGTCGACAGAACACACATCA-3'
Protein context (NP_000578.2, residues 187-207): TFQVKINNDF[Asn197Lys]YEFYNSTWSY